The following is an entry in ClinVar:

NM_198578.4(LRRK2):c.7390+20A>G

Gene: LRRK2 (leucine rich repeat kinase 2; plus strand). Cytogenetic location: 12q12.
Variant type: single nucleotide variant.
Coding change: c.7390+20A>G on transcript NM_198578.4 (MANE Select); 20 bases into the intron after coding-DNA position 7390, A replaced by G.
Molecular consequence: intron variant.
Genome position (GRCh38, 1-based): chr12:40,365,070, A>G. VCF-style: chr12-40365070-A-G. GRCh37 (hg19) VCF-style: chr12-40758872-A-G.
Identifiers: ClinVar variation 2100896 (VCV002100896.4), dbSNP rs2500039240, ClinGen allele CA2580085554.
Genomic context (GRCh38, chr12:40,365,070, plus strand): 5'-CTTTTGTAATTCGGTCAGAGTCATGATGACAGCACAGCTAGGCAAGTTTCTTTCCTTTAG[A>G]TATTTTTCATATTCTCTAAGTCTTATAAAATATGCCTTTATTTTACGTTTACATTTTCTC-3'

ClinVar aggregate classification (germline): Uncertain significance (1 of 4 stars; one submission).

Conditions:
Autosomal dominant Parkinson disease 8. Also called: LRRK2-Related Parkinson Disease; Parkinson disease 8; Parkinson disease 8, susceptibility to. Identifiers: Orphanet 411602, MedGen C1846862, MONDO:0011764, OMIM 607060.

Submission:

Labcorp Genetics (formerly Invitae), Labcorp
Classification: Uncertain significance for Autosomal dominant Parkinson disease 8. Last evaluated: 2022-08-13. Review status: criteria provided, single submitter. Criteria: Invitae Variant Classification Sherloc (09022015). Collection method: clinical testing. Allele origin: germline.
Comment: This sequence change falls in intron 49 of the LRRK2 gene. It does not directly change the encoded amino acid sequence of the LRRK2 protein. This variant is not present in population databases (gnomAD no frequency). This variant has not been reported in the literature in individuals affected with LRRK2-related conditions. Algorithms developed to predict the effect of sequence changes on RNA splicing suggest that this variant may create or strengthen a splice site. In summary, the available evidence is currently insufficient to determine the role of this variant in disease. Therefore, it has been classified as a Variant of Uncertain Significance.